The following is an entry in ClinVar:

ClinVar aggregate classification (germline): Uncertain significance. Review status: criteria provided, multiple submitters, no conflicts (2 of 4 stars). 3 submissions from 3 submitters: Uncertain significance (3). Last evaluated 2025-09-01.

Conditions:
Marinesco-Sjögren syndrome (MSS). Also called: Marinesco-SjÃ¶gren syndrome; Marinesco-Sjogren Syndrome. Identifiers: Orphanet 559, MedGen C0024814, MONDO:0009567, OMIM 248800.
Inborn genetic diseases. Identifiers: MedGen C0950123, MeSH D030342.

Allele frequency attached by ClinVar (database versions not stated): gnomAD exomes 0.00001; ExAC 0.00002; TOPMed 0.00003; gnomAD 0.00004.
gnomAD v4.1: 16 of 1,614,002 alleles (0.00099%); highest among the groups gnomAD compares: Admixed American, 0.018%; no homozygotes.

Submissions (3):

Ambry Genetics
Classification: Uncertain significance for Inborn genetic diseases. Last evaluated: 2025-09-01. Review status: criteria provided, single submitter. Criteria: Ambry Variant Classification Scheme 2023. Collection method: clinical testing. Allele origin: germline.

Revvity Omics, Revvity
Classification: Uncertain significance for Marinesco-Sjögren syndrome. Last evaluated: 2023-10-11. Review status: criteria provided, single submitter. Criteria: ACMG Guidelines, 2015. Collection method: clinical testing. Allele origin: germline.

Labcorp Genetics (formerly Invitae), Labcorp
Classification: Uncertain significance for Marinesco-Sjögren syndrome. Last evaluated: 2021-08-24. Review status: criteria provided, single submitter. Criteria: Invitae Variant Classification Sherloc (09022015). Collection method: clinical testing. Allele origin: germline.
Comment: This sequence change replaces alanine with serine at codon 78 of the SIL1 protein (p.Ala78Ser). The alanine residue is weakly conserved and there is a moderate physicochemical difference between alanine and serine. This variant is present in population databases (rs763221847, ExAC 0.03%). This variant has not been reported in the literature in individuals affected with SIL1-related conditions. Algorithms developed to predict the effect of missense changes on protein structure and function (SIFT, PolyPhen-2, Align-GVGD) all suggest that this variant is likely to be tolerated. In summary, the available evidence is currently insufficient to determine the role of this variant in disease. Therefore, it has been classified as a Variant of Uncertain Significance.

NM_022464.5(SIL1):c.232G>T (p.Ala78Ser)

Gene: SIL1 (SIL1 nucleotide exchange factor; minus strand). Cytogenetic location: 5q31.2.
Variant type: single nucleotide variant.
Coding change: c.232G>T on transcript NM_022464.5 (MANE Select); coding-DNA position 232, G replaced by T.
Protein change: p.Ala78Ser; replaces alanine 78 with serine.
Molecular consequence: missense variant.
Genome position (GRCh38, 1-based): chr5:139,121,047, C>A on the plus strand (G>T on the coding strand, the complement: SIL1 is on the minus strand). VCF-style: chr5-139121047-C-A. GRCh37 (hg19) VCF-style: chr5-138456736-C-A.
Other names: c.232G>T, p.Ala78Ser (NM_001037633.2); short protein forms A78S.
Identifiers: ClinVar variation 845827 (VCV000845827.10), dbSNP rs763221847, ClinGen allele CA3432652.